The following is an entry in ClinVar:

ClinVar aggregate classification (germline): Uncertain significance (1 of 4 stars; one submission).

Conditions:
Inborn genetic diseases. Identifiers: MedGen C0950123, MeSH D030342.

Allele frequency attached by ClinVar (database versions not stated): gnomAD 0.00001.
gnomAD v4.1: 1 of 1,609,304 alleles (0.000062%); highest among the groups gnomAD compares: Admixed American, 0.0017%; no homozygotes.

Submission:

Ambry Genetics
Classification: Uncertain significance for Inborn genetic diseases. Last evaluated: 2024-05-28. Review status: criteria provided, single submitter. Criteria: Ambry Variant Classification Scheme 2023. Collection method: clinical testing. Allele origin: germline.
Comment: The p.V2280I variant (also known as c.6838G>A), located in coding exon 46 of the LRRK2 gene, results from a G to A substitution at nucleotide position 6838. The valine at codon 2280 is replaced by isoleucine, an amino acid with highly similar properties. This amino acid position is conserved. In addition, this alteration is predicted to be tolerated by in silico analysis. Since supporting evidence is limited at this time, the clinical significance of this alteration remains unclear.

NM_198578.4(LRRK2):c.6838G>A (p.Val2280Ile)

Gene: LRRK2 (leucine rich repeat kinase 2; plus strand). Cytogenetic location: 12q12.
Variant type: single nucleotide variant.
Coding change: c.6838G>A on transcript NM_198578.4 (MANE Select); coding-DNA position 6838, G replaced by A.
Protein change: p.Val2280Ile; replaces valine 2280 with isoleucine.
Molecular consequence: missense variant.
Genome position (GRCh38, 1-based): chr12:40,356,182, G>A. VCF-style: chr12-40356182-G-A. GRCh37 (hg19) VCF-style: chr12-40749984-G-A.
Other names: short protein forms V2280I.
Identifiers: ClinVar variation 1755716 (VCV001755716.3), dbSNP rs1946531684, ClinGen allele CA384410267.
Genomic context (GRCh38, chr12:40,356,182, plus strand): 5'-AAAAATTTTCTTTTGGTTGGAACCGCTGATGGCAAGTTAGCAATTTTTGAAGATAAGACT[G>A]TTAAGGTAAATGTTGAATGCATTCTACATCTAAATTTATTTTAAGTCTTTTGTTTTATAT-3'
Protein context (NP_940980.4, residues 2270-2290): GKLAIFEDKT[Val2280Ile]KLKGAAPLKI